The following is an entry in ClinVar:

NM_170707.4(LMNA):c.792_793insGCCGGGCGCGGTGGCTCACGCCTGTAATCCCAGCACTTTGGGAGGCCGATGCGGGCGGATCACGAGGTCAGGAGATCGAGACCATCCCGGCTAAAACGGTGAAACCCCGTCTCTACNNNNNNNNNNAAAAAAAAAAAAAAAAAAAAAAGAAGGAGCTGGAG (p.Lys265delinsAlaGlyArgGlyGlySerArgLeuTer)

Gene: LMNA (lamin A/C; plus strand). Cytogenetic location: 1q22.
Variant type: Microsatellite.
Coding change: c.792_793insGCCGGGCGCGGTGGCTCACGCCTGTAATCCCAGCACTTTGGGAGGCCGATGCGGGCGGATCACGAGGTCAGGAGATCGAGACCATCCCGGCTAAAACGGTGAAACCCCGTCTCTACNNNNNNNNNNAAAAAAAAAAAAAAAAAAAAAAGAAGGAGCTGGAG on transcript NM_170707.4 (MANE Select); coding-DNA positions 792 to 793, GCCGGGCGCGGTGGCTCACGCCTGTAATCCCAGCACTTTGGGAGGCCGATGCGGGCGGATCACGAGGTCAGGAGATCGAGACCATCCCGGCTAAAACGGTGAAACCCCGTCTCTACNNNNNNNNNNAAAAAAAAAAAAAAAAAAAAAAGAAGGAGCTGGAG inserted.
Protein change: p.Lys265delinsAlaGlyArgGlyGlySerArgLeuTer.
Molecular consequence: nonsense.
Genome position: GRCh38: chr1:156,134,943-156,134,957. GRCh37 (hg19): chr1:156,104,734-156,104,748.
Other names: c.792_793insGCCGGGCGCGGTGGCTCACGCCTGTAATCCCAGCACTTTGGGAGGCCGATGCGGGCGGATCACGAGGTCAGGAGATCGAGACCATCCCGGCTAAAACGGTGAAACCCCGTCTCTACNNNNNNNNNNAAAAAAAAAAAAAAAAAAAAAAGAAGGAGCTGGAG, p.Lys265delinsAlaGlyArgGlyGlySerArgLeuTer (NM_001282626.2, NM_005572.4, NM_170708.4 and 1 more transcripts); c.456_457insGCCGGGCGCGGTGGCTCACGCCTGTAATCCCAGCACTTTGGGAGGCCGATGCGGGCGGATCACGAGGTCAGGAGATCGAGACCATCCCGGCTAAAACGGTGAAACCCCGTCTCTACNNNNNNNNNNAAAAAAAAAAAAAAAAAAAAAAGAAGGAGCTGGAG, p.Lys153delinsAlaGlyArgGlyGlySerArgLeuTer (NM_001257374.3); c.549_550insGCCGGGCGCGGTGGCTCACGCCTGTAATCCCAGCACTTTGGGAGGCCGATGCGGGCGGATCACGAGGTCAGGAGATCGAGACCATCCCGGCTAAAACGGTGAAACCCCGTCTCTACNNNNNNNNNNAAAAAAAAAAAAAAAAAAAAAAGAAGGAGCTGGAG, p.Lys184delinsAlaGlyArgGlyGlySerArgLeuTer (NM_001282624.2).
Identifiers: ClinVar variation 1071831 (VCV001071831.6).

ClinVar aggregate classification (germline): Pathogenic (1 of 4 stars; one submission).

Conditions:
Charcot-Marie-Tooth disease type 2. Also called: Charcot-Marie-Tooth type 2. Identifiers: Orphanet 64746, MedGen C0270914, MONDO:0018993.

Submission:

Labcorp Genetics (formerly Invitae), Labcorp
Classification: Pathogenic for Charcot-Marie-Tooth disease type 2. Last evaluated: 2023-11-22. Review status: criteria provided, single submitter. Criteria: Invitae Variant Classification Sherloc (09022015). Collection method: clinical testing. Allele origin: germline.
Comment: This sequence change inserts a large fragment of DNA, likely a transposable element, in exon 4 of the LMNA gene (c.792_793ins?), causing a frameshift at codon 265 (p.Lys265fs). The exact size and sequence of the insertion cannot be determined by the current assay. However, the insertion is expected to result in an absent or disrupted protein product. This variant is not present in population databases (gnomAD no frequency). This variant has not been reported in the literature in individuals affected with LMNA-related conditions. Algorithms developed to predict the effect of sequence changes on RNA splicing suggest that this variant may create or strengthen a splice site. Retrotransposon insertions including LINE1 (L1), Alu, and SVA (SINE-VNTR-Alu) have been reported to be disease-causing through disruption of either a coding region or splice site (PMID: 19763152, 20307669, 22406018) and loss-of-function variants in LMNA are known to be pathogenic (PMID: 18585512, 18926329). For these reasons, this variant has been classified as Pathogenic.

Literature cited by the submitters: PubMed 19763152; PubMed 20307669; PubMed 22406018; PubMed 18585512; PubMed 18926329.